The following is an entry in ClinVar:

NM_018089.3(ANKZF1):c.1625C>T (p.Ala542Val)

Gene: ANKZF1 (ankyrin repeat and zinc finger peptidyl tRNA hydrolase 1; plus strand). Cytogenetic location: 2q35.
Variant type: single nucleotide variant.
Coding change: c.1625C>T on transcript NM_018089.3 (MANE Select); coding-DNA position 1625, C replaced by T.
Protein change: p.Ala542Val; replaces alanine 542 with valine.
Molecular consequence: missense variant.
Genome position (GRCh38, 1-based): chr2:219,235,246, C>T. VCF-style: chr2-219235246-C-T. GRCh37 (hg19) VCF-style: chr2-220099968-C-T.
Other names: c.1625C>T, p.Ala542Val (NM_001042410.2); c.995C>T, p.Ala332Val (NM_001282792.2); short protein forms A542V, A332V.
Identifiers: ClinVar variation 2803478 (VCV002803478.3), dbSNP rs776786551, ClinGen allele CA350682829.

ClinVar aggregate classification (germline): Uncertain significance (1 of 4 stars; one submission).

Submission:

Labcorp Genetics (formerly Invitae), Labcorp
Classification: Uncertain significance. Last evaluated: 2024-07-22. Review status: criteria provided, single submitter. Criteria: Invitae Variant Classification Sherloc (09022015). Collection method: clinical testing. Allele origin: germline.
Comment: This sequence change replaces alanine, which is neutral and non-polar, with valine, which is neutral and non-polar, at codon 542 of the ANKZF1 protein (p.Ala542Val). This variant is not present in population databases (gnomAD no frequency). This variant has not been reported in the literature in individuals affected with ANKZF1-related conditions. An algorithm developed to predict the effect of missense changes on protein structure and function (PolyPhen-2) suggests that this variant is likely to be disruptive. In summary, the available evidence is currently insufficient to determine the role of this variant in disease. Therefore, it has been classified as a Variant of Uncertain Significance.